The following is an entry in ClinVar:

NM_005359.6(SMAD4):c.1546C>T (p.Gln516Ter)

Gene: SMAD4 (SMAD family member 4; plus strand). Cytogenetic location: 18q21.2.
Variant type: single nucleotide variant.
Coding change: c.1546C>T on transcript NM_005359.6 (MANE Select); coding-DNA position 1546, C replaced by T.
Protein change: p.Gln516Ter; replaces glutamine 516 with a stop codon.
Molecular consequence: nonsense.
Genome position (GRCh38, 1-based): chr18:51,078,354, C>T. VCF-style: chr18-51078354-C-T. GRCh37 (hg19) VCF-style: chr18-48604724-C-T.
Other names: c.1546C>T, p.Gln516Ter (NM_001407041.1, NM_001407042.1); short protein forms Q516*.
Identifiers: ClinVar variation 1774939 (VCV001774939.3), dbSNP rs2144478869, ClinGen allele CA402466002.

ClinVar aggregate classification (germline): Pathogenic/Likely pathogenic. Review status: criteria provided, multiple submitters, no conflicts (2 of 4 stars). 2 submissions from 2 submitters: Pathogenic (1); Likely pathogenic (1). Last evaluated 2024-02-09.

Conditions:
Familial thoracic aortic aneurysm and aortic dissection (TAAD). Also called: Thoracic aortic aneurysms and dissections. Identifiers: Orphanet 91387, MedGen C4707243, MONDO:0019625.
Hereditary cancer-predisposing syndrome. Also called: Hereditary neoplastic syndrome; Neoplastic Syndromes, Hereditary; Tumor predisposition; Hereditary Cancer Syndrome. Identifiers: Orphanet 140162, MedGen C0027672, MeSH D009386, MONDO:0015356.
Juvenile polyposis/hereditary hemorrhagic telangiectasia syndrome (JPHT). Also called: JP/HHT SYNDROME; JUVENILE POLYPOSIS WITH HEREDITARY HEMORRHAGIC TELANGIECTASIA; POLYPOSIS, GENERALIZED JUVENILE, WITH PULMONARY ARTERIOVENOUS MALFORMATION; TELANGIECTASIA, HEREDITARY HEMORRHAGIC, WITH JUVENILE POLYPOSIS COLI; Juvenile Polyposis Syndrome / Hereditary Hemorrhagic Telangiectasia (JPS/HHT). Identifiers: Orphanet 2929, MedGen C1832942, MONDO:0008278, OMIM 175050.

Submissions (2):

Myriad Genetics, Inc.
Classification: Pathogenic for Juvenile polyposis/hereditary hemorrhagic telangiectasia syndrome. Last evaluated: 2024-02-09. Review status: criteria provided, single submitter. Criteria: Myriad Autosomal Dominant, Autosomal Recessive and X-Linked Classification Criteria (2023). Collection method: clinical testing. Allele origin: unknown.
Comment: This variant is considered pathogenic. This variant creates a termination codon and is predicted to result in premature protein truncation.

Ambry Genetics
Classification: Likely pathogenic for Hereditary cancer-predisposing syndrome; Familial thoracic aortic aneurysm and aortic dissection. Last evaluated: 2022-02-15. Review status: criteria provided, single submitter. Criteria: Ambry Variant Classification Scheme 2023. Collection method: clinical testing. Allele origin: germline.
Comment: The p.Q516* variant (also known as c.1546C>T), located in coding exon 11 of the SMAD4 gene, results from a C to T substitution at nucleotide position 1546. This changes the amino acid from a glutamine to a stop codon within coding exon 11. This alteration occurs at the 3' terminus of theSMAD4 gene, is not expected to trigger nonsense-mediated mRNA decay, and only impacts the last 37 amino acids of the protein. However, premature stop codons are typically deleterious in nature and this alteration disrupts a significant portion of the structure (Ambry internal data). This variant is considered to be rare based on population cohorts in the Genome Aggregation Database (gnomAD). Based on the majority of available evidence to date, this variant is likely to be pathogenic.